The following is an entry in ClinVar:

ClinVar aggregate classification (germline): Uncertain significance. Review status: criteria provided, multiple submitters, no conflicts (2 of 4 stars). 3 submissions from 3 submitters: Uncertain significance (2). 1 of the submissions does not count toward it. Last evaluated 2026-04-16.

Conditions:
LRP5-related disorder. Also called: LRP5-related condition.
Familial exudative vitreoretinopathy. Identifiers: Orphanet 891, MedGen C0339539, MeSH D000080345, MONDO:0019516.

Allele frequency attached by ClinVar (database versions not stated): ExAC 0.00001; gnomAD 0.00001; gnomAD exomes 0.00001 and 0.00002; TOPMed 0.00001.
gnomAD v4.1: 16 of 1,613,718 alleles (0.00099%); highest among the groups gnomAD compares: South Asian, 0.012%; no homozygotes.

Submissions (3):

PreventionGenetics, part of Exact Sciences
Classification: Uncertain significance for LRP5-related condition. Last evaluated: 2026-04-16. Review status: criteria provided, single submitter. Criteria: ACMG Guidelines, 2015. Collection method: clinical testing. Allele origin: germline.
Comment: The LRP5 c.1265C>T variant is predicted to result in the amino acid substitution p.Ala422Val. This variant has been reported in the heterozygous state along with a second LRP5 variant in individuals with familial exudative vitreoretinopathy (Salvo et al. 2015. PubMed ID: 25711638; Table S2, Carss et al. 2017. PubMed ID: 28041643; Li et al. 2018. PubMed ID: 30452590). Of note, this variant was confirmed to be compound heterozygous in one individual, of which this variant was inherited from an unaffected parent and the other variant in trans was inherited from an affected mother (Li et al. 2018. PubMed ID: 30452590). This variant, along with a second LRP5 variant, was present in affected family members (Salvo et al. 2015. PubMed ID: 25711638); however, segregation analysis was incomplete and the findings suggest that the two variants were on the same allele. This variant has also been described in the heterozygous state in an individual with early-onset osteoporosis (Stürznickel et al. 2020. PubMed ID: 33118644). In a luciferase reporter assay, this variant showed reduced WNT signaling activity with WNT3A treatment, but showed similar activity to wild type without treatment, leading the authors to suggest that this variant could be a hypomorphic allele (Wang et al. 2021. PubMed ID: 32884132). This variant is reported in 0.013% of alleles in individuals of South Asian descent in gnomAD. Another missense variant affecting the same amino acid (c.1264G>A, p.Ala422Thr) has also been reported in individuals with familial exudative vitreoretinopathy (for example, Fei et al. 2014. PubMed ID: 24715757; Salvo et al. 2015. PubMed ID: 25711638; Table S2, Chen et al. 2022. PubMed ID: 36018796). Although we suspect this variant may be pathogenic for autosomal recessive disease, its clinical significance is currently classified as uncertain due to the conflicting evidence.

Labcorp Genetics (formerly Invitae), Labcorp
Classification: Uncertain significance. Last evaluated: 2023-03-22. Review status: criteria provided, single submitter. Criteria: Invitae Variant Classification Sherloc (09022015). Collection method: clinical testing. Allele origin: germline.
Comment: This variant is present in population databases (rs761919591, gnomAD 0.01%). This sequence change replaces alanine, which is neutral and non-polar, with valine, which is neutral and non-polar, at codon 422 of the LRP5 protein (p.Ala422Val). This missense change has been observed in individual(s) with clinical features of osteoporosis and/or familial exudative vitreoretinopathy (PMID: 25711638, 30452590, 33118644). ClinVar contains an entry for this variant (Variation ID: 437991). Advanced modeling of protein sequence and biophysical properties (such as structural, functional, and spatial information, amino acid conservation, physicochemical variation, residue mobility, and thermodynamic stability) performed at Invitae indicates that this missense variant is expected to disrupt LRP5 protein function. This variant disrupts the p.Ala422 amino acid residue in LRP5. Other variant(s) that disrupt this residue have been determined to be pathogenic (PMID: 24715757, 25711638, 31987760). This suggests that this residue is clinically significant, and that variants that disrupt this residue are likely to be disease-causing. In summary, the available evidence is currently insufficient to determine the role of this variant in disease. Therefore, it has been classified as a Variant of Uncertain Significance.

NIHR Bioresource Rare Diseases, University of Cambridge
Classification: Likely pathogenic. Last evaluated: 2015-01-01. Review status: no assertion criteria provided. Collection method: research. Allele origin: unknown. Affected: yes. Observed: 1 variant allele. Not counted in ClinVar's aggregate classification.

Literature cited by the submitters: PubMed 25711638 (cited by Labcorp Genetics (formerly Invitae), Labcorp and NIHR Bioresource Rare Diseases, University of Cambridge); PubMed 30452590 (cited by Labcorp Genetics (formerly Invitae), Labcorp); PubMed 33118644 (cited by Labcorp Genetics (formerly Invitae), Labcorp); PubMed 24715757 (cited by Labcorp Genetics (formerly Invitae), Labcorp); PubMed 31987760 (cited by Labcorp Genetics (formerly Invitae), Labcorp); PubMed 28041643 (cited by NIHR Bioresource Rare Diseases, University of Cambridge).

NM_002335.4(LRP5):c.1265C>T (p.Ala422Val)

Gene: LRP5 (LDL receptor related protein 5; plus strand). Cytogenetic location: 11q13.2.
Variant type: single nucleotide variant.
Coding change: c.1265C>T on transcript NM_002335.4 (MANE Select); coding-DNA position 1265, C replaced by T.
Protein change: p.Ala422Val; replaces alanine 422 with valine.
Molecular consequence: missense variant. On other transcripts: 5 prime UTR variant (1).
Genome position (GRCh38, 1-based): chr11:68,386,565, C>T. VCF-style: chr11-68386565-C-T. GRCh37 (hg19) VCF-style: chr11-68154033-C-T.
Other names: c.-501C>T (NM_001291902.2); c.1265C>T (NM_002335.3); short protein forms A422V.
Identifiers: ClinVar variation 437991 (VCV000437991.6), dbSNP rs761919591, ClinGen allele CA6149286.